The following is an entry in ClinVar:

ClinVar aggregate classification (germline): Pathogenic (1 of 4 stars; one submission).

Conditions:
Townes-Brocks syndrome 1 (TBS1). Also called: SALL1-Related Townes-Brocks Syndrome; DEAFNESS, SENSORINEURAL, WITH IMPERFORATE ANUS AND THUMB ANOMALIES; REAR SYNDROME; RENAL-EAR-ANAL-RADIAL SYNDROME. Identifiers: Orphanet 857, MedGen C4551481, MONDO:0054581, OMIM 107480.

Submission:

Centre de Biologie Pathologie Génétique, Centre Hospitalier Universitaire de Lille
Classification: Pathogenic for Townes-Brocks syndrome 1. Last evaluated: 2025-02-27. Review status: criteria provided, single submitter. Criteria: ACMG Guidelines, 2015. Collection method: clinical testing. Allele origin: unknown. Inheritance: Autosomal dominant inheritance. Affected: yes.
Comment: PVS1 + PM2 + PP4

NM_002968.3(SALL1):c.1444del (p.Cys482fs)

Gene: SALL1 (spalt like transcription factor 1; minus strand). Cytogenetic location: 16q12.1.
Variant type: Deletion.
Coding change: c.1444del on transcript NM_002968.3 (MANE Select); coding-DNA position 1444, one base deleted (T; older notation c.1444delT).
Protein change: p.Cys482fs; shifts the reading frame from cysteine 482.
Molecular consequence: frameshift variant.
Genome position (GRCh38, 1-based): chr16:51,140,778, A deleted on the plus strand (T on the coding strand, the reverse complement: SALL1 is on the minus strand). VCF-style (leftmost placement, unchanged base first): chr16-51140777-CA-C. GRCh37 (hg19) VCF-style: chr16-51174688-CA-C.
Other names: c.1153del, p.Cys385fs (NM_001127892.2); short protein forms C385fs, C482fs.
Identifiers: ClinVar variation 3765519 (VCV003765519.1).